The following is an entry in ClinVar:

ClinVar aggregate classification (germline): Uncertain significance. Review status: criteria provided, multiple submitters, no conflicts (2 of 4 stars). 3 submissions from 3 submitters: Uncertain significance (2). 1 of the submissions does not count toward it. Last evaluated 2022-10-13.

Conditions:
Glycogen storage disease, type II (IOPD). Also called: Pompe Disease; GAA DEFICIENCY, INFANTILE-ONSET; ACID MALTASE DEFICIENCY, INFANTILE-ONSET; GLYCOGENOSIS, GENERALIZED, CARDIAC FORM; GSD II; Glucosidase acid-1,4-alpha deficiency. Identifiers: Orphanet 365, MedGen C0017921, MONDO:0009290, OMIM 232300.

Allele frequency attached by ClinVar (database versions not stated): gnomAD exomes below 0.00001 and 0.00001; ExAC 0.00001; gnomAD 0.00001; TOPMed 0.00002.
gnomAD v4.1: 5 of 1,613,164 alleles (0.00031%); highest among the groups gnomAD compares: Admixed American, 0.0083%; no homozygotes.

Submissions (3):

Labcorp Genetics (formerly Invitae), Labcorp
Classification: Uncertain significance for Glycogen storage disease, type II. Last evaluated: 2022-10-13. Review status: criteria provided, single submitter. Criteria: Invitae Variant Classification Sherloc (09022015). Collection method: clinical testing. Allele origin: germline.
Comment: This sequence change replaces threonine, which is neutral and polar, with isoleucine, which is neutral and non-polar, at codon 469 of the GAA protein (p.Thr469Ile). This variant is present in population databases (rs768500880, gnomAD 0.009%). This variant has not been reported in the literature in individuals affected with GAA-related conditions. ClinVar contains an entry for this variant (Variation ID: 657737). Advanced modeling of protein sequence and biophysical properties (such as structural, functional, and spatial information, amino acid conservation, physicochemical variation, residue mobility, and thermodynamic stability) has been performed at Invitae for this missense variant, however the output from this modeling did not meet the statistical confidence thresholds required to predict the impact of this variant on GAA protein function. In summary, the available evidence is currently insufficient to determine the role of this variant in disease. Therefore, it has been classified as a Variant of Uncertain Significance.

Fulgent Genetics
Classification: Uncertain significance for Glycogen storage disease, type II. Last evaluated: 2021-10-05. Review status: criteria provided, single submitter. Criteria: ACMG Guidelines, 2015. Collection method: clinical testing. Allele origin: unknown.

Natera, Inc.
Classification: Uncertain significance for Glycogen storage disease type II. Last evaluated: 2020-07-07. Review status: no assertion criteria provided. Collection method: clinical testing. Allele origin: germline. Not counted in ClinVar's aggregate classification.

NM_000152.5(GAA):c.1406C>T (p.Thr469Ile)

Gene: GAA (alpha glucosidase; plus strand). Cytogenetic location: 17q25.3.
Variant type: single nucleotide variant.
Coding change: c.1406C>T on transcript NM_000152.5 (MANE Select); coding-DNA position 1406, C replaced by T.
Protein change: p.Thr469Ile; replaces threonine 469 with isoleucine.
Molecular consequence: missense variant.
Genome position (GRCh38, 1-based): chr17:80,110,024, C>T. VCF-style: chr17-80110024-C-T. GRCh37 (hg19) VCF-style: chr17-78083823-C-T.
Other names: c.1406C>T (LRG_673t1); c.1406C>T, p.Thr469Ile (NM_001079803.3, NM_001079804.3); short protein forms T469I.
Identifiers: ClinVar variation 657737 (VCV000657737.11), dbSNP rs768500880, ClinGen allele CA8815307.
Genomic context (GRCh38, chr17:80,110,024, plus strand): 5'-CGGGCCCTGCCGGGAGCTACAGGCCCTACGACGAGGGTCTGCGGAGGGGGGTTTTCATCA[C>T]CAACGAGACCGGCCAGCCGCTGATTGGGAAGGTAGGGCGAGGGTCCAGGGGACGGGGGTT-3'
Protein context (NP_000143.2, residues 459-479): DEGLRRGVFI[Thr469Ile]NETGQPLIGK